The following is an entry in ClinVar:

ClinVar aggregate classification (germline): Likely pathogenic (1 of 4 stars; one submission).

Conditions:
Intellectual developmental disorder, X-linked, syndromic, Billuart type. Also called: MENTAL RETARDATION, X-LINKED 60; X-linked intellectual disability-cerebellar hypoplasia syndrome. Identifiers: Orphanet 137831, MedGen C1845366, MONDO:0010337, OMIM 300486.

Submission:

Neuberg Centre For Genomic Medicine, NCGM
Classification: Likely pathogenic for Intellectual developmental disorder, X-linked, syndromic, Billuart type. Review status: criteria provided, single submitter. Criteria: ACMG Guidelines, 2015. Collection method: clinical testing. Allele origin: germline. Affected: yes.
Comment: The frameshift insertion p.E361Vfs*24 in OPHN1 (NM_002547.3) has not been reported previously as a pathogenic variant nor as a benign variant, to our knowledge. The p.E361Vfs*24 variant is novel (not in any individuals) in gnomAD Exomes and is novel (not in any individuals) in 1000 Genomes. This variant is predicted to cause loss of normal protein function through protein truncation. Loss of function mutations have been previously reported to be disease causing. For these reasons, this variant has been classified as Likely Pathogenic

NM_002547.3(OPHN1):c.1081_1082insT (p.Glu361fs)

Gene: OPHN1 (oligophrenin 1; minus strand). Cytogenetic location: Xq12.
Variant type: Insertion.
Coding change: c.1081_1082insT on transcript NM_002547.3 (MANE Select); coding-DNA positions 1081 to 1082, T inserted.
Protein change: p.Glu361fs; shifts the reading frame from glutamic acid 361.
Molecular consequence: frameshift variant.
Genome position: GRCh38 VCF-style: chrX-68197208-T-TA. GRCh37 (hg19) VCF-style: chrX-67417050-T-TA.
Other names: short protein forms E361fs.
Identifiers: ClinVar variation 1878669 (VCV001878669.1), dbSNP rs2519789706, ClinGen allele CA2580101286.